The following is an entry in ClinVar:

ClinVar aggregate classification (germline): Uncertain significance (1 of 4 stars; one submission).

Conditions:
Cardiomyopathy (CMYO). Also called: Cardiomyopathies. Identifiers: Orphanet 167848, MedGen C0878544, MONDO:0004994, HP:0001638. Inheritance: Various modes of inheritance.

Allele frequency attached by ClinVar (database versions not stated): gnomAD exomes below 0.00001.
gnomAD v4.1: 7 of 1,614,130 alleles (0.00043%); highest among the groups gnomAD compares: Non-Finnish European, 0.00059%; no homozygotes.

Submission:

Color Diagnostics, LLC DBA Color Health
Classification: Uncertain significance for Cardiomyopathy. Last evaluated: 2024-03-06. Review status: criteria provided, single submitter. Criteria: ACMG Guidelines, 2015. Collection method: clinical testing. Allele origin: germline.
Comment: This missense variant replaces glutamic acid with alanine at codon 135 of the TMEM43 protein. Computational prediction suggests that this variant may not impact protein structure and function (internally defined REVEL score threshold <= 0.5, PMID: 27666373). To our knowledge, functional studies have not been reported for this variant. This variant has not been reported in individuals affected with cardiovascular disorders in the literature. This variant has not been identified in the general population by the Genome Aggregation Database (gnomAD). The available evidence is insufficient to determine the role of this variant in disease conclusively. Therefore, this variant is classified as a Variant of Uncertain Significance.

NM_024334.3(TMEM43):c.404A>C (p.Glu135Ala)

Gene: TMEM43 (transmembrane protein 43; plus strand). Cytogenetic location: 3p25.1.
Variant type: single nucleotide variant.
Coding change: c.404A>C on transcript NM_024334.3 (MANE Select); coding-DNA position 404, A replaced by C.
Protein change: p.Glu135Ala; replaces glutamic acid 135 with alanine.
Molecular consequence: missense variant.
Genome position (GRCh38, 1-based): chr3:14,132,557, A>C. VCF-style: chr3-14132557-A-C. GRCh37 (hg19) VCF-style: chr3-14174057-A-C.
Other names: short protein forms E135A.
Identifiers: ClinVar variation 1331994 (VCV001331994.3), dbSNP rs2124988762, ClinGen allele CA351534998.
Genomic context (GRCh38, chr3:14,132,557, plus strand): 5'-GCCTGGGGCGACGAGGCTAACCCCCGTGGCTGCTTTGCTTTCCCTGCAGGGAGTACACCG[A>C]GGATGGGCAGGTGAAGAAGGAGACGAGGTATTCCTACAGTGAGTGCTGGGCCCCTTACGT-3'
Protein context (NP_077310.1, residues 125-145): VETEESREYT[Glu135Ala]DGQVKKETRY